The following is an entry in ClinVar:

ClinVar aggregate classification (germline): Uncertain significance. Review status: criteria provided, multiple submitters, no conflicts (2 of 4 stars). 3 submissions from 3 submitters: Uncertain significance (3). Last evaluated 2024-07-26.

Conditions:
Autosomal dominant epilepsy with auditory features. Identifiers: Orphanet 101046, MedGen C1838062, MONDO:0010898.

Allele frequency attached by ClinVar (database versions not stated): ExAC 0.00001; gnomAD 0.00003; TOPMed 0.00006.
gnomAD v4.1: 47 of 1,614,094 alleles (0.0029%); highest among the groups gnomAD compares: Non-Finnish European, 0.0037%; no homozygotes.

Submissions (3):

Labcorp Genetics (formerly Invitae), Labcorp
Classification: Uncertain significance for Autosomal dominant epilepsy with auditory features. Last evaluated: 2024-07-26. Review status: criteria provided, single submitter. Criteria: Invitae Variant Classification Sherloc (09022015). Collection method: clinical testing. Allele origin: germline.
Comment: This sequence change replaces isoleucine, which is neutral and non-polar, with leucine, which is neutral and non-polar, at codon 446 of the LGI1 protein (p.Ile446Leu). This variant is present in population databases (rs769204967, gnomAD 0.002%). This variant has not been reported in the literature in individuals affected with LGI1-related conditions. ClinVar contains an entry for this variant (Variation ID: 301659). Advanced modeling of protein sequence and biophysical properties (such as structural, functional, and spatial information, amino acid conservation, physicochemical variation, residue mobility, and thermodynamic stability) performed at Invitae indicates that this missense variant is not expected to disrupt LGI1 protein function with a negative predictive value of 80%. In summary, the available evidence is currently insufficient to determine the role of this variant in disease. Therefore, it has been classified as a Variant of Uncertain Significance.

CeGaT Center for Human Genetics Tuebingen
Classification: Uncertain significance. Last evaluated: 2021-01-01. Review status: criteria provided, single submitter. Criteria: CeGaT Center For Human Genetics Tuebingen Variant Classification Criteria Version 2. Collection method: clinical testing. Allele origin: germline. Affected: yes. Observed: 1 variant allele.

GeneDx
Classification: Uncertain significance. Last evaluated: 2019-09-26. Review status: criteria provided, single submitter. Criteria: GeneDx Variant Classification Process June 2021. Collection method: clinical testing. Allele origin: germline. Affected: yes.
Comment: In silico analysis, which includes protein predictors and evolutionary conservation, supports that this variant does not alter protein structure/function; Has not been previously published as pathogenic or benign to our knowledge

NM_005097.4(LGI1):c.1336A>C (p.Ile446Leu)

Gene: LGI1 (leucine rich glioma inactivated 1; plus strand). Cytogenetic location: 10q23.33.
Variant type: single nucleotide variant.
Coding change: c.1336A>C on transcript NM_005097.4 (MANE Select); coding-DNA position 1336, A replaced by C.
Protein change: p.Ile446Leu; replaces isoleucine 446 with leucine.
Molecular consequence: missense variant. On other transcripts: non-coding transcript variant (1), intron variant (1).
Genome position (GRCh38, 1-based): chr10:93,797,465, A>C. VCF-style: chr10-93797465-A-C. GRCh37 (hg19) VCF-style: chr10-95557222-A-C.
Other names: c.1192A>C, p.Ile398Leu (NM_001308276.2); c.839-284A>C (NM_001308275.2); short protein forms I446L, I398L.
Identifiers: ClinVar variation 301659 (VCV000301659.51), dbSNP rs769204967, ClinGen allele CA5611258.